The following is an entry in ClinVar:

ClinVar aggregate classification (germline): Conflicting classifications of pathogenicity. Review status: criteria provided, conflicting classifications (1 of 4 stars). 5 submissions from 5 submitters: Uncertain significance (1); Benign (1); Likely benign (3). Last evaluated 2026-01-20.

Conditions:
Deficiency of iodide peroxidase (TDH2A). Also called: THYROID HORMONOGENESIS, GENETIC DEFECT IN, 2A; THYROID PEROXIDASE DEFICIENCY; HYPOTHYROIDISM, CONGENITAL, DUE TO DYSHORMONOGENESIS, 2A; IODIDE PEROXIDASE DEFICIENCY; Thyroid dyshormonogenesis 2A. Identifiers: Orphanet 95716, MedGen C1291299, MONDO:0010133, OMIM 274500.

Allele frequency attached by ClinVar (database versions not stated): ESP Exome Variant Server 0.00019; 1000 Genomes Project 0.00100; 1000 Genomes Project 30x 0.00109; gnomAD exomes 0.00134 and 0.00306; ExAC 0.00149; TOPMed 0.00158; gnomAD 0.00165 and 0.00175.
gnomAD v4.1: 4,424 of 1,534,284 alleles (0.29%); highest among the groups gnomAD compares: Non-Finnish European, 0.36%; 8 homozygotes.

Submissions (5):

Labcorp Genetics (formerly Invitae), Labcorp
Classification: Benign. Last evaluated: 2026-01-20. Review status: criteria provided, single submitter. Criteria: Invitae Variant Classification Sherloc (09022015). Collection method: clinical testing. Allele origin: germline.

CeGaT Center for Human Genetics Tuebingen
Classification: Likely benign. Last evaluated: 2025-08-01. Review status: criteria provided, single submitter. Criteria: CeGaT Center For Human Genetics Tuebingen Variant Classification Criteria Version 2. Collection method: clinical testing. Allele origin: germline. Affected: yes. Observed: 2 variant alleles.
Comment: TPO: BP4, BP7

Blueprint Genetics
Classification: Likely benign. Last evaluated: 2024-11-08. Review status: criteria provided, single submitter. Criteria: ACMG Guidelines, 2015. Collection method: clinical testing. Allele origin: germline.

Women's Health and Genetics/Laboratory Corporation of America, LabCorp
Classification: Likely benign. Last evaluated: 2024-07-10. Review status: criteria provided, single submitter. Criteria: LabCorp Variant Classification Summary - May 2015. Collection method: clinical testing. Allele origin: germline.

Illumina Laboratory Services, Illumina
Classification: Uncertain significance for Deficiency of iodide peroxidase. Last evaluated: 2018-01-13. Review status: criteria provided, single submitter. Criteria: ICSL Variant Classification Criteria 13 December 2019. Collection method: clinical testing. Allele origin: germline.

NM_001206744.2(TPO):c.1317G>A (p.Lys439=)

Gene: TPO (thyroid peroxidase; plus strand). Cytogenetic location: 2p25.3.
Variant type: single nucleotide variant.
Coding change: c.1317G>A on transcript NM_001206744.2 (MANE Select); coding-DNA position 1317, G replaced by A.
Protein change: p.Lys439=; no amino-acid change (lysine 439 retained).
Molecular consequence: synonymous variant. On other transcripts: intron variant (1).
Genome position (GRCh38, 1-based): chr2:1,477,583, G>A. VCF-style: chr2-1477583-G-A. GRCh37 (hg19) VCF-style: chr2-1481355-G-A.
Other names: c.1317G>A, p.Lys439= (NM_000547.6, NM_001206745.2, NM_175719.4 and 1 more transcripts); c.820-7013G>A (NM_175722.3).
Identifiers: ClinVar variation 331317 (VCV000331317.38), dbSNP rs28910598, ClinGen allele CA1511695.